The following is an entry in ClinVar:

ClinVar aggregate classification (germline): Uncertain significance (1 of 4 stars; one submission).

Submission:

GeneDx
Classification: Uncertain significance. Last evaluated: 2024-05-25. Review status: criteria provided, single submitter. Criteria: GeneDx Variant Classification Process June 2021. Collection method: clinical testing. Allele origin: germline. Affected: yes.
Comment: Not observed at significant frequency in large population cohorts (gnomAD); In silico analysis supports that this missense variant has a deleterious effect on protein structure/function; Has not been previously published as pathogenic or benign to our knowledge

NM_012200.4(B3GAT3):c.383C>T (p.Ser128Phe)

Gene: B3GAT3 (beta-1,3-glucuronyltransferase 3; minus strand). Cytogenetic location: 11q12.3.
Variant type: single nucleotide variant.
Coding change: c.383C>T on transcript NM_012200.4 (MANE Select); coding-DNA position 383, C replaced by T.
Protein change: p.Ser128Phe; replaces serine 128 with phenylalanine.
Molecular consequence: missense variant. On other transcripts: non-coding transcript variant (1).
Genome position (GRCh38, 1-based): chr11:62,617,222, G>A on the plus strand (C>T on the coding strand, the complement: B3GAT3 is on the minus strand). VCF-style: chr11-62617222-G-A. GRCh37 (hg19) VCF-style: chr11-62384694-G-A.
Other names: c.362C>T, p.Ser121Phe (NM_001288721.2); c.383C>T, p.Ser128Phe (NM_001288722.2, NM_001288723.2); short protein forms S121F, S128F.
Identifiers: ClinVar variation 3381366 (VCV003381366.1).